The following is an entry in ClinVar:

ClinVar aggregate classification (germline): Uncertain significance (1 of 4 stars; one submission).

Submission:

Labcorp Genetics (formerly Invitae), Labcorp
Classification: Uncertain significance. Last evaluated: 2025-10-01. Review status: criteria provided, single submitter. Criteria: Invitae Variant Classification Sherloc (09022015). Collection method: clinical testing. Allele origin: germline.
Comment: This sequence change replaces aspartic acid, which is acidic and polar, with valine, which is neutral and non-polar, at codon 39 of the TUBA1A protein (p.Asp39Val). This variant is not present in population databases (gnomAD no frequency). This variant has not been reported in the literature in individuals affected with TUBA1A-related conditions. Invitae Evidence Modeling of protein sequence and biophysical properties (such as structural, functional, and spatial information, amino acid conservation, physicochemical variation, residue mobility, and thermodynamic stability) indicates that this missense variant is not expected to disrupt TUBA1A protein function with a negative predictive value of 80%. In summary, the available evidence is currently insufficient to determine the role of this variant in disease. Therefore, it has been classified as a Variant of Uncertain Significance.

NM_006009.4(TUBA1A):c.116A>T (p.Asp39Val)

Gene: TUBA1A (tubulin alpha 1a; minus strand). Cytogenetic location: 12q13.12.
Variant type: single nucleotide variant.
Coding change: c.116A>T on transcript NM_006009.4 (MANE Select); coding-DNA position 116, A replaced by T.
Protein change: p.Asp39Val; replaces aspartic acid 39 with valine.
Molecular consequence: missense variant.
Genome position (GRCh38, 1-based): chr12:49,186,721, T>A on the plus strand (A>T on the coding strand, the complement: TUBA1A is on the minus strand). VCF-style: chr12-49186721-T-A. GRCh37 (hg19) VCF-style: chr12-49580504-T-A.
Other names: c.116A>T, p.Asp39Val (NM_001270399.2); c.11A>T, p.Asp4Val (NM_001270400.2); short protein forms D4V, D39V.
Identifiers: ClinVar variation 4746533 (VCV004746533.1).